The following is an entry in ClinVar:

ClinVar aggregate classification (germline): Uncertain significance (1 of 4 stars; one submission).

Submission:

GeneDx
Classification: Uncertain significance. Last evaluated: 2023-02-16. Review status: criteria provided, single submitter. Criteria: GeneDx Variant Classification Process June 2021. Collection method: clinical testing. Allele origin: germline. Affected: yes.
Comment: Not observed at significant frequency in large population cohorts (gnomAD); Frameshift variant predicted to result in protein truncation in a gene or region of a gene for which loss of function is not a well-established mechanism of disease; Has not been previously published as pathogenic or benign to our knowledge

NM_001326342.2(CELF2):c.1316_1317del (p.Phe439fs)

Genes: CELF2 (CUGBP Elav-like family member 2; plus strand), CELF2-AS1 (CELF2 antisense RNA 1; minus strand). Cytogenetic location: 10p14.
Variant type: Deletion.
Coding change: c.1316_1317del on transcript NM_001326342.2 (MANE Select); coding-DNA positions 1316 to 1317, 2 bases deleted (TT; older notation c.1316_1317delTT).
Protein change: p.Phe439fs; shifts the reading frame from phenylalanine 439.
Molecular consequence: frameshift variant.
Genome position (GRCh38, 1-based): chr10:11,325,857-11,325,858, TT deleted; deleting any 2 consecutive bases within chr10:11,325,856-11,325,858 gives the same sequence; the c. name uses the placement nearest the transcript's 3' end. VCF-style (leftmost placement, unchanged base first): chr10-11325855-CTT-C. GRCh37 (hg19) VCF-style: chr10-11367818-CTT-C.
Other names: c.1223_1224del, p.Phe408fs (NM_001025076.2, NM_001326318.2, NM_001326320.2 and 6 more transcripts); c.1277_1278del, p.Phe426fs (NM_001025077.3, NM_001326319.2, NM_001326332.2); c.1217_1218del, p.Phe406fs (NM_001083591.1); c.1205_1206del, p.Phe402fs (NM_001326317.2, NM_001326329.2, NM_001326344.2 and 2 more transcripts); c.1247_1248del, p.Phe416fs (NM_001326321.2); c.1265_1266del, p.Phe422fs (NM_001326323.2); c.1370_1371del, p.Phe457fs (NM_001326325.2, NM_001326343.2); c.1313_1314del, p.Phe438fs (NM_001326326.2); and 14 more; short protein forms F198fs, F204fs, F315fs, F321fs, F370fs, F402fs, F406fs, F408fs.
Identifiers: ClinVar variation 2576878 (VCV002576878.1), dbSNP rs2549996551, ClinGen allele CA2573334539.